The following is an entry in ClinVar:

ClinVar aggregate classification (germline): Uncertain significance. Review status: criteria provided, multiple submitters, no conflicts (2 of 4 stars). 2 submissions from 2 submitters: Uncertain significance (2). Last evaluated 2025-05-04.

Conditions:
Tuberous sclerosis 2 (TSC2). Identifiers: Orphanet 805, MedGen C1860707, MONDO:0013199, OMIM 613254.
Hereditary cancer-predisposing syndrome. Also called: Neoplastic Syndromes, Hereditary; Hereditary Cancer Syndrome; Tumor predisposition; Hereditary neoplastic syndrome. Identifiers: Orphanet 140162, MedGen C0027672, MeSH D009386, MONDO:0015356.

Submissions (2):

Labcorp Genetics (formerly Invitae), Labcorp
Classification: Uncertain significance for Tuberous sclerosis 2. Last evaluated: 2025-05-04. Review status: criteria provided, single submitter. Criteria: Invitae Variant Classification Sherloc (09022015). Collection method: clinical testing. Allele origin: germline.
Comment: This sequence change falls in intron 3 of the TSC2 gene. It does not directly change the encoded amino acid sequence of the TSC2 protein. It affects a nucleotide within the consensus splice site. This variant is not present in population databases (gnomAD no frequency). This variant has not been reported in the literature in individuals affected with TSC2-related conditions. ClinVar contains an entry for this variant (Variation ID: 2028686). Variants that disrupt the consensus splice site are a relatively common cause of aberrant splicing (PMID: 17576681, 9536098). Algorithms developed to predict the effect of sequence changes on RNA splicing suggest that this variant is not likely to affect RNA splicing. In summary, the available evidence is currently insufficient to determine the role of this variant in disease. Therefore, it has been classified as a Variant of Uncertain Significance.

Ambry Genetics
Classification: Uncertain significance for Hereditary cancer-predisposing syndrome. Last evaluated: 2023-02-03. Review status: criteria provided, single submitter. Criteria: Ambry Variant Classification Scheme 2023. Collection method: clinical testing. Allele origin: germline.
Comment: The c.225+4G>C intronic variant results from a G to C substitution 4 nucleotides after coding exon 2 in the TSC2 gene. This nucleotide position is not well conserved in available vertebrate species. In silico splice site analysis predicts that this alteration will not have any significant effect on splicing. Since supporting evidence is limited at this time, the clinical significance of this alteration remains unclear.

Literature cited by the submitters: PubMed 17576681 (cited by Labcorp Genetics (formerly Invitae), Labcorp); PubMed 9536098 (cited by Labcorp Genetics (formerly Invitae), Labcorp).

NM_000548.5(TSC2):c.225+4G>C

Gene: TSC2 (TSC complex subunit 2; plus strand). Cytogenetic location: 16p13.3.
Variant type: single nucleotide variant.
Coding change: c.225+4G>C on transcript NM_000548.5 (MANE Select); 4 bases into the intron after coding-DNA position 225, G replaced by C.
Molecular consequence: intron variant.
Genome position (GRCh38, 1-based): chr16:2,050,490, G>C. VCF-style: chr16-2050490-G-C. GRCh37 (hg19) VCF-style: chr16-2100491-G-C.
Other names: c.225+4G>C (NM_001114382.3, NM_021055.3, NM_001370405.1 and 5 more transcripts); c.-2+4G>C (NM_001318831.2); c.78+4G>C (NM_001318829.2); c.258+4G>C (NM_001318832.2).
Identifiers: ClinVar variation 2028686 (VCV002028686.6), dbSNP rs201901739, ClinGen allele CA2580090594.
Genomic context (GRCh38, chr16:2,050,490, plus strand): 5'-CGCATCCGGATGATAGGGCAGATTTGTGAAGTCGCAAAAACCAAGAAATTTGAAGAGGTA[G>C]GTTTATCCAGTTGAGCTACTAGAGAGAGGCACGTAGACTATTCAGAGCCTGAGTTTGCTT-3'